The following is an entry in ClinVar:

ClinVar aggregate classification (germline): Uncertain significance (1 of 4 stars; one submission).

Submission:

GeneDx
Classification: Uncertain significance. Last evaluated: 2022-02-23. Review status: criteria provided, single submitter. Criteria: GeneDx Variant Classification Process June 2021. Collection method: clinical testing. Allele origin: germline. Affected: yes.
Comment: Not observed at significant frequency in large population cohorts (gnomAD); In silico analysis supports that this missense variant has a deleterious effect on protein structure/function; Has not been previously published as pathogenic or benign to our knowledge

NM_001958.5(EEF1A2):c.184A>G (p.Lys62Glu)

Gene: EEF1A2 (eukaryotic translation elongation factor 1 alpha 2; minus strand). Cytogenetic location: 20q13.33.
Variant type: single nucleotide variant.
Coding change: c.184A>G on transcript NM_001958.5 (MANE Select); coding-DNA position 184, A replaced by G.
Protein change: p.Lys62Glu; replaces lysine 62 with glutamic acid.
Molecular consequence: missense variant.
Genome position (GRCh38, 1-based): chr20:63,495,996, T>C on the plus strand (A>G on the coding strand, the complement: EEF1A2 is on the minus strand). VCF-style: chr20-63495996-T-C. GRCh37 (hg19) VCF-style: chr20-62127349-T-C.
Other names: short protein forms K62E.
Identifiers: ClinVar variation 1703459 (VCV001703459.2), dbSNP rs2516784729, ClinGen allele CA409651564.